The following is an entry in ClinVar:

NM_001348800.3(ZBTB20):c.1889G>C (p.Gly630Ala)

Gene: ZBTB20 (zinc finger and BTB domain containing 20; minus strand). Cytogenetic location: 3q13.31.
Variant type: single nucleotide variant.
Coding change: c.1889G>C on transcript NM_001348800.3 (MANE Select); coding-DNA position 1889, G replaced by C.
Protein change: p.Gly630Ala; replaces glycine 630 with alanine.
Molecular consequence: missense variant. On other transcripts: non-coding transcript variant (1).
Genome position (GRCh38, 1-based): chr3:114,339,342, C>G on the plus strand (G>C on the coding strand, the complement: ZBTB20 is on the minus strand). VCF-style: chr3-114339342-C-G. GRCh37 (hg19) VCF-style: chr3-114058189-C-G.
Other names: c.1889G>C, p.Gly630Ala (NM_001164342.2, NM_001348803.3, NM_001393393.1 and 1 more transcripts); c.1670G>C, p.Gly557Ala (NM_001164343.2, NM_001164344.4, NM_001164345.4 and 9 more transcripts); short protein forms G557A, G630A.
Identifiers: ClinVar variation 5017870 (VCV005017870.1).

ClinVar aggregate classification (germline): Uncertain significance (1 of 4 stars; one submission).

Submission:

GeneDx
Classification: Uncertain significance. Last evaluated: 2026-03-28. Review status: criteria provided, single submitter. Criteria: GeneDx Variant Classification Process June 2021. Collection method: clinical testing. Allele origin: germline.
Comment: Not observed at significant frequency in large population cohorts (gnomAD); In silico analysis supports that this missense variant has a deleterious effect on protein structure/function; Has not been previously published as pathogenic or benign to our knowledge